The following is an entry in ClinVar:

ClinVar aggregate classification (germline): Uncertain significance. Review status: criteria provided, multiple submitters, no conflicts (2 of 4 stars). 3 submissions from 3 submitters: Uncertain significance (3). Last evaluated 2025-03-08.

Conditions:
Inborn genetic diseases. Identifiers: MedGen C0950123, MeSH D030342.

gnomAD v4.1: 54 of 1,614,220 alleles (0.0033%); highest among the groups gnomAD compares: South Asian, 0.038%; 2 homozygotes.

Submissions (3):

Ambry Genetics
Classification: Uncertain significance for Inborn genetic diseases. Last evaluated: 2025-03-08. Review status: criteria provided, single submitter. Criteria: Ambry Variant Classification Scheme 2023. Collection method: clinical testing. Allele origin: germline.

GeneDx
Classification: Uncertain significance. Last evaluated: 2025-01-08. Review status: criteria provided, single submitter. Criteria: GeneDx Variant Classification Process June 2021. Collection method: clinical testing. Allele origin: germline. Affected: yes.
Comment: In silico analysis supports that this missense variant has a deleterious effect on protein structure/function; Has not been previously published as pathogenic or benign to our knowledge

Women's Health and Genetics/Laboratory Corporation of America, LabCorp
Classification: Uncertain significance. Last evaluated: 2024-07-30. Review status: criteria provided, single submitter. Criteria: LabCorp Variant Classification Summary - May 2015. Collection method: clinical testing. Allele origin: germline.
Comment: Variant summary: ZFYVE26 c.5002C>T (p.Arg1668Trp) results in a non-conservative amino acid change in the encoded protein sequence. Four of five in-silico tools predict a damaging effect of the variant on protein function. The variant allele was found at a frequency of 3.6e-05 in 251312 control chromosomes. The available data on variant occurrences in the general population are insufficient to allow any conclusion about variant significance. To our knowledge, no occurrence of c.5002C>T in individuals affected with Hereditary Spastic Paraplegia 15 and no experimental evidence demonstrating its impact on protein function have been reported. No submitters have cited clinical-significance assessments for this variant to ClinVar. Based on the evidence outlined above, the variant was classified as uncertain significance.

NM_015346.4(ZFYVE26):c.5002C>T (p.Arg1668Trp)

Gene: ZFYVE26 (zinc finger FYVE-type containing 26; minus strand). Cytogenetic location: 14q24.1.
Variant type: single nucleotide variant.
Coding change: c.5002C>T on transcript NM_015346.4 (MANE Select); coding-DNA position 5002, C replaced by T.
Protein change: p.Arg1668Trp; replaces arginine 1668 with tryptophan.
Molecular consequence: missense variant.
Genome position (GRCh38, 1-based): chr14:67,776,079, G>A on the plus strand (C>T on the coding strand, the complement: ZFYVE26 is on the minus strand). VCF-style: chr14-67776079-G-A. GRCh37 (hg19) VCF-style: chr14-68242796-G-A.
Other names: c.5002C>T (NM_015346.3); short protein forms R1668W.
Identifiers: ClinVar variation 3338954 (VCV003338954.3).
Genomic context (GRCh38, chr14:67,776,079, plus strand): 5'-TCATAAGCAGCTGCTCCAGCATGAACAGGGGGTTAGAGGACAAGTGGGAATAGCTGGCCC[G>A]GTGCTGCTCAGGCAGGGTCAGCAGAATCTGTTTGTGGGGTAGATCCATAGAGTAAAGAAA-3'
Protein context (NP_056161.2, residues 1658-1678): KILLTLPEQH[Arg1668Trp]ASYSHLSSNP